The following is an entry in ClinVar:

ClinVar aggregate classification (germline): Pathogenic (1 of 4 stars; one submission).

Submission:

GeneDx
Classification: Pathogenic. Last evaluated: 2017-09-15. Review status: criteria provided, single submitter. Criteria: GeneDx Variant Classification (06012015). Collection method: clinical testing. Allele origin: germline. Affected: yes.
Comment: The Y100X nonsense variant has not been published as a pathogenic variant, nor has it been reported as a benign variant to our knowledge. This pathogenic variant is predicted to cause loss of normal protein function either through protein truncation or nonsense-mediated mRNA decay. Y100X is not observed in large population cohorts (Lek et al., 2016; 1000 Genomes Consortium et al., 2015; Exome Variant Server).

NM_181486.4(TBX5):c.300del (p.Lys99_Tyr100insTer)

Gene: TBX5 (T-box transcription factor 5; minus strand). Cytogenetic location: 12q24.21.
Variant type: Deletion.
Coding change: c.300del on transcript NM_181486.4 (MANE Select); coding-DNA position 300, one base deleted (C; older notation c.300delC).
Protein change: p.Lys99_Tyr100insTer.
Molecular consequence: nonsense.
Genome position (GRCh38, 1-based): chr12:114,399,575, G deleted on the plus strand (C on the coding strand, the reverse complement: TBX5 is on the minus strand). VCF-style (leftmost placement, unchanged base first): chr12-114399574-TG-T. GRCh37 (hg19) VCF-style: chr12-114837379-TG-T.
Other names: c.300delC (NM_000192.3); c.300del, p.Lys99_Tyr100insTer (NM_000192.3); c.150del, p.Lys49_Tyr50insTer (NM_080717.4).
Identifiers: ClinVar variation 452157 (VCV000452157.2), dbSNP rs1555226412, ClinGen allele CA658658169.